The following is an entry in ClinVar:

ClinVar aggregate classification (germline): Pathogenic (1 of 4 stars; one submission).

Submission:

Labcorp Genetics (formerly Invitae), Labcorp
Classification: Pathogenic. Last evaluated: 2022-07-05. Review status: criteria provided, single submitter. Criteria: Invitae Variant Classification Sherloc (09022015). Collection method: clinical testing. Allele origin: germline.
Comment: This sequence change creates a premature translational stop signal (p.Lys178Asnfs*6) in the GOLGA2 gene. It is expected to result in an absent or disrupted protein product. Loss-of-function variants in GOLGA2 are known to be pathogenic (PMID: 26742501, 30237576, 34424553). This variant is present in population databases (rs769805966, gnomAD 0.003%). This variant has not been reported in the literature in individuals affected with GOLGA2-related conditions. For these reasons, this variant has been classified as Pathogenic.

Literature cited by the submitters: PubMed 26742501; PubMed 30237576; PubMed 34424553.

NM_001366244.2(GOLGA2):c.615_618del (p.Lys205fs)

Gene: GOLGA2 (golgin A2; minus strand). Cytogenetic location: 9q34.11.
Variant type: Microsatellite.
Coding change: c.615_618del on transcript NM_001366244.2 (MANE Select); coding-DNA positions 615 to 618, 4 bases deleted (ACAA; older notation c.615_618delACAA).
Protein change: p.Lys205fs; shifts the reading frame from lysine 205.
Molecular consequence: frameshift variant. On other transcripts: intron variant (8).
Genome position (GRCh38, 1-based): chr9:128,267,218-128,267,221, TTGT deleted on the plus strand (ACAA on the coding strand, the reverse complement: GOLGA2 is on the minus strand); deleting any 4 consecutive bases within chr9:128,267,218-128,267,230 gives the same sequence; the c. name uses the placement nearest the transcript's 3' end. VCF-style (leftmost placement, unchanged base first): chr9-128267217-GTTGT-G. GRCh37 (hg19) VCF-style: chr9-131029496-GTTGT-G.
Other names: c.600_603del, p.Lys200fs (NM_001389695.2); c.615_618del, p.Lys205fs (NM_001389696.2); c.534_537del, p.Lys178fs (NM_001389700.2, NM_004486.6); c.429_432del, p.Lys143fs (NM_001389702.2); c.208-1209ACAA[2] (NM_001389705.2); c.208-904ACAA[2] (NM_001389704.2); c.480+229ACAA[2] (NM_001389703.2, NM_001389701.2); c.561+229ACAA[2] (NM_001389699.2, NM_001389697.2, NM_001389698.2 and 1 more transcripts); short protein forms K143fs, K200fs, K178fs, K205fs.
Identifiers: ClinVar variation 2078580 (VCV002078580.1), dbSNP rs769805966, ClinGen allele CA5259345.